The following is an entry in ClinVar:

NM_032043.3(BRIP1):c.143C>G (p.Thr48Arg)

Gene: BRIP1 (BRCA1 interacting DNA helicase 1; minus strand). Cytogenetic location: 17q23.2.
Variant type: single nucleotide variant.
Coding change: c.143C>G on transcript NM_032043.3 (MANE Select); coding-DNA position 143, C replaced by G.
Protein change: p.Thr48Arg; replaces threonine 48 with arginine.
Molecular consequence: missense variant.
Genome position (GRCh38, 1-based): chr17:61,859,858, G>C on the plus strand (C>G on the coding strand, the complement: BRIP1 is on the minus strand). VCF-style: chr17-61859858-G-C. GRCh37 (hg19) VCF-style: chr17-59937219-G-C.
Other names: short protein forms T48R.
Identifiers: ClinVar variation 1386475 (VCV001386475.7), dbSNP rs755317452, ClinGen allele CA400485777.

ClinVar aggregate classification (germline): Uncertain significance (1 of 4 stars; one submission).

Conditions:
Familial cancer of breast. Also called: BREAST CANCER, FAMILIAL; Hereditary breast cancer; hereditary breast carcinoma. Identifiers: Orphanet 227535, MedGen C0346153, MONDO:0016419, OMIM 114480. Disease mechanism: loss of function.
Fanconi anemia complementation group J. Also called: BRIP1-Related Fanconi Anemia. Identifiers: Orphanet 84, MedGen C1836860, MONDO:0012187, OMIM 609054.

Submission:

Labcorp Genetics (formerly Invitae), Labcorp
Classification: Uncertain significance for Familial cancer of breast; Fanconi anemia complementation group J. Last evaluated: 2024-08-15. Review status: criteria provided, single submitter. Criteria: Invitae Variant Classification Sherloc (09022015). Collection method: clinical testing. Allele origin: germline.
Comment: This sequence change replaces threonine, which is neutral and polar, with arginine, which is basic and polar, at codon 48 of the BRIP1 protein (p.Thr48Arg). This variant is not present in population databases (gnomAD no frequency). This variant has not been reported in the literature in individuals affected with BRIP1-related conditions. ClinVar contains an entry for this variant (Variation ID: 1386475). Invitae Evidence Modeling of protein sequence and biophysical properties (such as structural, functional, and spatial information, amino acid conservation, physicochemical variation, residue mobility, and thermodynamic stability) indicates that this missense variant is expected to disrupt BRIP1 protein function with a positive predictive value of 80%. In summary, the available evidence is currently insufficient to determine the role of this variant in disease. Therefore, it has been classified as a Variant of Uncertain Significance.